The following is an entry in ClinVar:

ClinVar aggregate classification (germline): Benign. Review status: criteria provided, multiple submitters, no conflicts (2 of 4 stars). 5 submissions from 4 submitters: Benign (5). Last evaluated 2026-02-01.

Conditions:
Corneal dystrophy. Identifiers: Orphanet 34533, MedGen C0010036, MONDO:0018102, HP:0001131.
Bietti crystalline corneoretinal dystrophy (BCD). Also called: Bietti Crystalline Dystrophy; BIETTI TAPETORETINAL DEGENERATION WITH MARGINAL CORNEAL DYSTROPHY. Identifiers: Orphanet 41751, MedGen C1859486, MONDO:0008865, OMIM 210370.

Allele frequency attached by ClinVar (database versions not stated): gnomAD exomes 0.00691 and 0.01815; ExAC 0.02268; gnomAD 0.07177 and 0.07706; 1000 Genomes Project 0.07748; TOPMed 0.08000; 1000 Genomes Project 30x 0.08307; ESP Exome Variant Server 0.08412.
gnomAD v4.1: 21,460 of 1,613,986 alleles (1.3%); highest among the groups gnomAD compares: African/African-American, 25%; 2,401 homozygotes.

Submissions (5):

Labcorp Genetics (formerly Invitae), Labcorp
Classification: Benign. Last evaluated: 2026-02-01. Review status: criteria provided, single submitter. Criteria: Invitae Variant Classification Sherloc (09022015). Collection method: clinical testing. Allele origin: germline.

GeneDx
Classification: Benign. Last evaluated: 2021-05-04. Review status: criteria provided, single submitter. Criteria: GeneDx Variant Classification Process June 2021. Collection method: clinical testing. Allele origin: germline. Affected: yes.

Illumina Laboratory Services, Illumina
Classification: Benign for Corneal dystrophy. Last evaluated: 2018-01-13. Review status: criteria provided, single submitter. Criteria: ICSL Variant Classification Criteria 13 December 2019. Collection method: clinical testing. Allele origin: germline.
Comment: This variant was observed in the ICSL laboratory as part of a predisposition screen in an ostensibly healthy population. It had not been previously curated by ICSL or reported in the Human Gene Mutation Database (HGMD: prior to June 1st, 2018), and was therefore a candidate for classification through an automated scoring system. Utilizing variant allele frequency, disease prevalence and penetrance estimates, and inheritance mode, an automated score was calculated to assess if this variant is too frequent to cause the disease. Based on the score and internal cut-off values, a variant classified as benign is not then subjected to further curation. The score for this variant resulted in a classification of benign for this disease.

Illumina Laboratory Services, Illumina
Classification: Benign for Bietti crystalline corneoretinal dystrophy. Last evaluated: 2018-01-13. Review status: criteria provided, single submitter. Criteria: ICSL Variant Classification Criteria 13 December 2019. Collection method: clinical testing. Allele origin: germline.
Comment: the same text as in the submission from Illumina Laboratory Services, Illumina above.

Breakthrough Genomics
Classification: Benign. Review status: criteria provided, single submitter. Criteria: ACMG Guidelines, 2015. Collection method: not provided. Allele origin: germline. Inheritance: Autosomal recessive inheritance. Affected: yes.

NM_207352.4(CYP4V2):c.1083C>T (p.Asp361=)

Gene: CYP4V2 (cytochrome P450 family 4 subfamily V member 2; plus strand). Cytogenetic location: 4q35.2.
Variant type: single nucleotide variant.
Coding change: c.1083C>T on transcript NM_207352.4 (MANE Select); coding-DNA position 1083, C replaced by T.
Protein change: p.Asp361=; no amino-acid change (aspartic acid 361 retained).
Molecular consequence: synonymous variant.
Genome position (GRCh38, 1-based): chr4:186,205,295, C>T. VCF-style: chr4-186205295-C-T. GRCh37 (hg19) VCF-style: chr4-187126449-C-T.
Identifiers: ClinVar variation 348308 (VCV000348308.15), dbSNP rs10029149, ClinGen allele CA3162733.